The following is an entry in ClinVar:

ClinVar aggregate classification (germline): Conflicting classifications of pathogenicity. Review status: criteria provided, conflicting classifications (1 of 4 stars). 22 submissions from 22 submitters: Likely pathogenic (1); Uncertain significance (10); Benign (2); Likely benign (6). 3 of the submissions do not count toward it. Last evaluated 2026-02-04.

Conditions:
Autoinflammatory syndrome. Identifiers: Orphanet 93665, MedGen C3890737, MONDO:0019751.
Inborn genetic diseases. Identifiers: MedGen C0950123, MeSH D030342.
Familial Mediterranean fever (FMF). Also called: Periodic peritonitis; Benign paroxysmal peritonitis; POLYSEROSITIS, FAMILIAL PAROXYSMAL; POLYSEROSITIS, RECURRENT. Identifiers: Orphanet 342, MedGen C0031069, MONDO:0018088, OMIM 249100. Disease mechanism: gain of function.

Allele frequency attached by ClinVar (database versions not stated): ExAC 0.01295; 1000 Genomes Project 0.01717; TOPMed 0.01127; gnomAD 0.01456; 1000 Genomes Project 30x 0.01499.

Submissions 1 to 15 of 34:

Labcorp Genetics (formerly Invitae), Labcorp
Classification: Likely benign for Familial Mediterranean fever. Last evaluated: 2026-02-04. Review status: criteria provided, single submitter. Criteria: Invitae Variant Classification Sherloc (09022015). Collection method: clinical testing. Allele origin: germline.

Center for Genomic Medicine, Rigshospitalet, Copenhagen University Hospital
Classification: Uncertain significance. Last evaluated: 2025-12-29. Review status: criteria provided, single submitter. Criteria: ACMG Guidelines, 2015. Collection method: clinical testing. Allele origin: germline.

Mayo Clinic Laboratories, Mayo Clinic
Classification: Likely benign. Last evaluated: 2025-08-22. Review status: criteria provided, single submitter. Criteria: ACMG Guidelines, 2015. Collection method: clinical testing. Allele origin: germline. Observed: 30 variant alleles.

Blueprint Genetics
Classification: Likely benign. Last evaluated: 2024-11-27. Review status: criteria provided, single submitter. Criteria: ACMG Guidelines, 2015. Collection method: clinical testing. Allele origin: germline.

Revvity Omics, Revvity
Classification: Uncertain significance. Last evaluated: 2024-11-27. Review status: criteria provided, single submitter. Criteria: ACMG Guidelines, 2015. Collection method: clinical testing. Allele origin: germline.

GeneDx
Classification: Likely benign. Last evaluated: 2024-04-11. Review status: criteria provided, single submitter. Criteria: GeneDx Variant Classification Process June 2021. Collection method: clinical testing. Allele origin: germline. Affected: yes.
Comment: See Variant Classification Assertion Criteria.

Clinical Genetics and Genomics, Karolinska University Hospital
Classification: Uncertain significance. Last evaluated: 2024-01-26. Review status: criteria provided, single submitter. Criteria: ACMG Guidelines, 2015. Collection method: clinical testing. Allele origin: germline. Affected: yes. Observed: 9 variant alleles.

ARUP Laboratories, Molecular Genetics and Genomics, ARUP Laboratories
Classification: Benign. Last evaluated: 2023-11-17. Review status: criteria provided, single submitter. Criteria: ARUP Molecular Germline Variant Investigation Process 2024. Collection method: clinical testing. Allele origin: germline.

CeGaT Center for Human Genetics Tuebingen
Classification: Uncertain significance. Last evaluated: 2022-07-01. Review status: criteria provided, single submitter. Criteria: CeGaT Center For Human Genetics Tuebingen Variant Classification Criteria Version 2. Collection method: clinical testing. Allele origin: germline. Affected: yes. Observed: 2 variant alleles.

Genome Diagnostics Laboratory, The Hospital for Sick Children
Classification: Uncertain significance for Autoinflammatory syndrome. Last evaluated: 2022-04-04. Review status: criteria provided, single submitter. Criteria: ACMG Guidelines, 2015. Collection method: clinical testing. Allele origin: germline. Affected: yes.

MGZ Medical Genetics Center
Classification: Uncertain significance for Familial Mediterranean fever. Last evaluated: 2022-03-23. Review status: criteria provided, single submitter. Criteria: ACMG Guidelines, 2015. Collection method: clinical testing. Allele origin: germline. Affected: yes. Observed: 3 variant alleles.
Comment: ACMG criteria applied: PM3, PM5

Women's Health and Genetics/Laboratory Corporation of America, LabCorp
Classification: Likely benign. Last evaluated: 2022-02-23. Review status: criteria provided, single submitter. Criteria: LabCorp Variant Classification Summary - May 2015. Collection method: clinical testing. Allele origin: germline.
Comment: Variant summary: MEFV c.1223G>A (p.Arg408Gln) results in a conservative amino acid change located in the B-box-type zinc finger (IPR000315) of the encoded protein sequence. Five of five in-silico tools predict a benign effect of the variant on protein function. A recent report utilizing the meta predictor tool, REVEL (Rare Exome Variant Ensemble Learner) to assess the pathogenicity of MEFV variants with ambiguous classification proposed a likely benign outcome for this variant (Accetturo_2019). In this study, REVEL scores demonstrated a good correlation with the consensus classification of the International Study Group for Systemic Auto Inflammatory Diseases. The observed variant frequency within East Asian control individuals in the gnomAD database is approximately 2.45 fold of the estimated maximal expected allele frequency for a pathogenic variant in MEFV causing Familial Mediterranean Fever phenotype (0.022), strongly suggesting that the variant is a benign polymorphism found primarily in populations of East Asian origin. When examined across all populations represented in the gnomAD database, the variant did not exceed the estimated maximal expected allele frequency for a disease causing MEFV allele however, in the European sub-cohort, 20 homozygous occurrences were observed, suggesting a benign nature for the variant across ethnicities. c.1223G>A has been extensively reported in databases and in the literature in individuals affected with Familial Mediterranean Fever or unexplained fevers, frequently as part of a haplotype with p.P369S (example, Ryan_2010, Migita_2014, Stoffels_2014, Pieri_2015, Hageman_2019). These report(s) do not provide unequivocal conclusions about association of the variant with Familial Mediterranean Fever. This haplotype has been reported in the homozygous state in controls as well (3 occurrences in 1000G) supporting the neutral nature of the complex allele. In two families (Feng 2009), the variant or its complex with P369S was shown to not co-segregate in all affected family members. The complex variant was also found in compound heterozygous state with a known pathogenic variant in unaffected parents (Moussa_2013). At-least one functional study further supports a neutral nature for the variant. This substitution is located in exon 3 encoding a B-box domain and is necessary for interactions with proline serine threonine phosphatase interacting protein 1 (PSTPIP1) (Ryan_2010). The ability of the MEFV to bind PSTPIP1 was not affected by the variant in isolation or as a part of a complex allele. Additionally, in silico structural modeling predicted that the variant does not result in alteration to the secondary structure elements potentially required to maintain the structural integrity of the B-box domain (Ryan_2010). Multiple clinical diagnostic laboratories and the Gene Reviews database have submitted clinical-significance assessments for this variant to ClinVar after 2014 without evidence for independent evaluation. These submitters have reported the variant with conflicting assessments ranging from Likely Benign (n=3), Uncertain Significance (n=5), Likely Pathogenic (n=2) to Pathogenic (n=1). Of note, one of these submitters has recently re-evaluated this variant from Likely Pathogenic to a VUS but not updated their ClinVar record. We have considered their assessment as a VUS in this context. Some submitters have provided overlapping evidence utilized in the context of our evaluation. We have followed this variant for over four years and previously classified it as a VUS-possibly benign variant. In our review of published evidence spanning over 20 years (1999-2019), the majority of evidence appears to point toward a non-pathogenic outcome however more data is required to conclusively determine the clinical consequences of this variant. Therefore, based on the evidence outlined above, this variant in isolation retains its classification as likely benign.

Genome-Nilou Lab
Classification: Uncertain significance for Familial Mediterranean fever. Last evaluated: 2021-05-18. Review status: criteria provided, single submitter. Criteria: ACMG Guidelines, 2015. Collection method: clinical testing. Allele origin: germline. Affected: no.

Eurofins Ntd Llc (ga)
Classification: Likely pathogenic. Last evaluated: 2017-09-21. Review status: criteria provided, single submitter. Criteria: EGL Classification Definitions 2015. Collection method: clinical testing. Allele origin: germline. Observed: 32 variant alleles, 32 heterozygotes.

Illumina Laboratory Services, Illumina
Classification: Uncertain significance for Familial Mediterranean fever. Last evaluated: 2017-04-27. Review status: criteria provided, single submitter. Criteria: ICSL Variant Classification Criteria 13 December 2019. Collection method: clinical testing. Allele origin: germline.
Comment: This variant was observed as part of a predisposition screen in an ostensibly healthy population. A literature search was performed for the gene, cDNA change, and amino acid change (where applicable). Publications were found based on this search. However, the evidence from the literature, in combination with allele frequency data from public databases where available, was not sufficient to rule this variant in or out of causing disease. Therefore, this variant is classified as a variant of unknown significance.

NM_000243.3(MEFV):c.1223G>A (p.Arg408Gln)

Gene: MEFV (MEFV innate immunity regulator, pyrin; minus strand). Cytogenetic location: 16p13.3.
Variant type: single nucleotide variant.
Coding change: c.1223G>A on transcript NM_000243.3 (MANE Select); coding-DNA position 1223, G replaced by A.
Protein change: p.Arg408Gln; replaces arginine 408 with glutamine.
Molecular consequence: missense variant.
Genome position (GRCh38, 1-based): chr16:3,249,468, C>T on the plus strand (G>A on the coding strand, the complement: MEFV is on the minus strand). VCF-style: chr16-3249468-C-T. GRCh37 (hg19) VCF-style: chr16-3299468-C-T.
Other names: R408Q; c.590G>A, p.Arg197Gln (NM_001198536.2); short protein forms R197Q.
Identifiers: ClinVar variation 2552 (VCV000002552.80), dbSNP rs11466024, ClinGen allele CA280116.